The following is an entry in ClinVar:

NM_000346.4(SOX9):c.221G>A (p.Arg74His)

Genes: SOX9 (SRY-box transcription factor 9; plus strand), LOC108021846 (SOX9 promoter region; plus strand). Cytogenetic location: 17q24.3.
Variant type: single nucleotide variant.
Coding change: c.221G>A on transcript NM_000346.4 (MANE Select); coding-DNA position 221, G replaced by A.
Protein change: p.Arg74His; replaces arginine 74 with histidine.
Molecular consequence: missense variant.
Genome position (GRCh38, 1-based): chr17:72,121,612, G>A. VCF-style: chr17-72121612-G-A. GRCh37 (hg19) VCF-style: chr17-70117753-G-A.
Other names: short protein forms R74H.
Identifiers: ClinVar variation 4766466 (VCV004766466.1).

ClinVar aggregate classification (germline): Uncertain significance (1 of 4 stars; one submission).

Conditions:
Camptomelic dysplasia (CMPD). Also called: CMPD1/SRA1; Campomelic Dysplasia. Identifiers: Orphanet 140, MedGen C1861922, MONDO:0007251, OMIM 114290.

Submission:

Labcorp Genetics (formerly Invitae), Labcorp
Classification: Uncertain significance for Camptomelic dysplasia. Last evaluated: 2025-05-07. Review status: criteria provided, single submitter. Criteria: Invitae Variant Classification Sherloc (09022015). Collection method: clinical testing. Allele origin: germline.
Comment: This sequence change replaces arginine, which is basic and polar, with histidine, which is basic and polar, at codon 74 of the SOX9 protein (p.Arg74His). This variant is not present in population databases (gnomAD no frequency). This variant has not been reported in the literature in individuals affected with SOX9-related conditions. Invitae Evidence Modeling of protein sequence and biophysical properties (such as structural, functional, and spatial information, amino acid conservation, physicochemical variation, residue mobility, and thermodynamic stability) has been performed for this missense variant. However, the output from this modeling did not meet the statistical confidence thresholds required to predict the impact of this variant on SOX9 protein function. In summary, the available evidence is currently insufficient to determine the role of this variant in disease. Therefore, it has been classified as a Variant of Uncertain Significance.